The following is an entry in ClinVar:

ClinVar aggregate classification (germline): Pathogenic/Likely pathogenic. Review status: criteria provided, multiple submitters, no conflicts (2 of 4 stars). 6 submissions from 6 submitters: Pathogenic (5); Likely pathogenic (1). Last evaluated 2025-09-09.

Conditions:
Hereditary nonpolyposis colorectal neoplasms. Identifiers: MedGen C0009405, MeSH D003123.
Hereditary cancer-predisposing syndrome. Also called: Hereditary neoplastic syndrome; Tumor predisposition; Neoplastic Syndromes, Hereditary; Hereditary Cancer Syndrome. Identifiers: Orphanet 140162, MedGen C0027672, MeSH D009386, MONDO:0015356.
Lynch syndrome 5 (LYNCH5). Also called: Hereditary non-polyposis colorectal cancer, type 5; Colorectal cancer, hereditary nonpolyposis, type 5. Identifiers: Orphanet 144, MedGen C1833477, MONDO:0013710, OMIM 614350. Disease mechanism: loss of function.
Endometrial carcinoma. Also called: Endometrial carcinoma, somatic. Identifiers: MedGen C0476089, MONDO:0002447, OMIM 608089, HP:0012114.

Submissions (6):

Ambry Genetics
Classification: Pathogenic for Hereditary cancer-predisposing syndrome. Last evaluated: 2025-09-09. Review status: criteria provided, single submitter. Criteria: Ambry Variant Classification Scheme 2023. Collection method: clinical testing. Allele origin: germline.
Comment: The c.2500_2501delAG pathogenic mutation, located in coding exon 4 of the MSH6 gene, results from a deletion of two nucleotides at nucleotide positions 2500 to 2501, causing a translational frameshift with a predicted alternate stop codon (p.Q835Efs*11). This variant is considered to be rare based on population cohorts in the Genome Aggregation Database (gnomAD). This alteration is expected to result in loss of function by premature protein truncation or nonsense-mediated mRNA decay. As such, this alteration is interpreted as a disease-causing mutation.

Color Diagnostics, LLC DBA Color Health
Classification: Pathogenic for Hereditary cancer-predisposing syndrome. Last evaluated: 2024-01-02. Review status: criteria provided, single submitter. Criteria: ACMG Guidelines, 2015. Collection method: clinical testing. Allele origin: germline.
Comment: This variant deletes 2 nucleotides in exon 4 of the MSH6 gene, creating a frameshift and premature translation stop signal. This variant is expected to result in an absent or non-functional protein product. To our knowledge, this variant has not been reported in individuals affected with MSH6-related disorders in the literature. This variant has not been identified in the general population by the Genome Aggregation Database (gnomAD). Loss of MSH6 function is a known mechanism of disease. Based on the available evidence, this variant is classified as Pathogenic.

Baylor Genetics
Classification: Likely pathogenic for Endometrial carcinoma. Last evaluated: 2023-11-09. Review status: criteria provided, single submitter. Criteria: ACMG Guidelines, 2015. Collection method: clinical testing. Allele origin: unknown.

Myriad Genetics, Inc.
Classification: Pathogenic for Lynch syndrome 5. Last evaluated: 2023-08-17. Review status: criteria provided, single submitter. Criteria: Myriad Autosomal Dominant, Autosomal Recessive and X-Linked Classification Criteria (2023). Collection method: clinical testing. Allele origin: unknown.
Comment: This variant is considered pathogenic. This variant creates a frameshift predicted to result in premature protein truncation.

Labcorp Genetics (formerly Invitae), Labcorp
Classification: Pathogenic for Hereditary nonpolyposis colorectal neoplasms. Last evaluated: 2022-08-03. Review status: criteria provided, single submitter. Criteria: Invitae Variant Classification Sherloc (09022015). Collection method: clinical testing. Allele origin: germline.
Comment: This sequence change creates a premature translational stop signal (p.Gln835Glufs*11) in the MSH6 gene. It is expected to result in an absent or disrupted protein product. Loss-of-function variants in MSH6 are known to be pathogenic (PMID: 18269114, 24362816). This variant is not present in population databases (gnomAD no frequency). This variant has not been reported in the literature in individuals affected with MSH6-related conditions. ClinVar contains an entry for this variant (Variation ID: 419875). For these reasons, this variant has been classified as Pathogenic.

GeneDx
Classification: Pathogenic. Last evaluated: 2015-09-25. Review status: criteria provided, single submitter. Criteria: GeneDx Variant Classification (06012015). Collection method: clinical testing. Allele origin: germline. Affected: yes.
Comment: This deletion of 2 nucleotides in MSH6 is denoted c.2500_2501delAG at the cDNA level and p.Gln835GlufsX11 (Q835EfsX11) at the protein level. The normal sequence, with the bases that are deleted in braces, is GAAG[AG]TCAG. The deletion causes a frameshift, which changes a Glutamine to a Glutamic Acid at codon 835, and creates a premature stop codon at position 11 of the new reading frame. Although this variant has not, to our knowledge, been reported in the literature, it is predicted to cause loss of normal protein function through protein truncation or nonsense-mediated mRNA decay. we consider this variant to be pathogenic.

Literature cited by the submitters: PubMed 18269114 (cited by Labcorp Genetics (formerly Invitae), Labcorp); PubMed 24362816 (cited by Labcorp Genetics (formerly Invitae), Labcorp).

NM_000179.3(MSH6):c.2500_2501del (p.Gln835fs)

Gene: MSH6 (mutS homolog 6; plus strand). Cytogenetic location: 2p16.3.
Variant type: Microsatellite.
Coding change: c.2500_2501del on transcript NM_000179.3 (MANE Select); coding-DNA positions 2500 to 2501, 2 bases deleted (AG; older notation c.2500_2501delAG).
Protein change: p.Gln835fs; shifts the reading frame from glutamine 835.
Molecular consequence: frameshift variant.
Genome position (GRCh38, 1-based): chr2:47,800,483-47,800,484, AG deleted; deleting any 2 consecutive bases within chr2:47,800,481-47,800,484 gives the same sequence; the c. name uses the placement nearest the transcript's 3' end. VCF-style (leftmost placement, unchanged base first): chr2-47800480-AAG-A. GRCh37 (hg19) VCF-style: chr2-48027619-AAG-A.
Other names: c.2110_2111del, p.Gln705fs (NM_001281492.2); c.1594_1595del, p.Gln533fs (NM_001281493.2, NM_001281494.2); c.2500_2501delAG (NM_000179.2); short protein forms Q705fs, Q835fs, Q533fs.
Identifiers: ClinVar variation 419875 (VCV000419875.14), dbSNP rs1064794164, ClinGen allele CA16617674.